The following is an entry in ClinVar:

ClinVar aggregate classification (germline): Uncertain significance (1 of 4 stars; one submission).

Conditions:
Hereditary cancer-predisposing syndrome. Also called: Neoplastic Syndromes, Hereditary; Tumor predisposition; Hereditary Cancer Syndrome; Hereditary neoplastic syndrome. Identifiers: Orphanet 140162, MedGen C0027672, MeSH D009386, MONDO:0015356.

Submission:

Ambry Genetics
Classification: Uncertain significance for Hereditary cancer-predisposing syndrome. Last evaluated: 2026-03-23. Review status: criteria provided, single submitter. Criteria: Ambry Variant Classification Scheme 2023. Collection method: clinical testing. Allele origin: germline.
Comment: The p.P1135L variant (also known as c.3404C>T), located in coding exon 5 of the MSH6 gene, results from a C to T substitution at nucleotide position 3404. The proline at codon 1135 is replaced by leucine, an amino acid with similar properties. This amino acid position is conserved. In addition, this alteration is predicted to be deleterious by in silico analysis. Based on the available evidence, the clinical significance of this variant remains unclear.

NM_000179.3(MSH6):c.3404C>T (p.Pro1135Leu)

Gene: MSH6 (mutS homolog 6; plus strand). Cytogenetic location: 2p16.3.
Variant type: single nucleotide variant.
Coding change: c.3404C>T on transcript NM_000179.3 (MANE Select); coding-DNA position 3404, C replaced by T.
Protein change: p.Pro1135Leu; replaces proline 1135 with leucine.
Molecular consequence: missense variant. On other transcripts: non-coding transcript variant (5).
Genome position (GRCh38, 1-based): chr2:47,803,651, C>T. VCF-style: chr2-47803651-C-T. GRCh37 (hg19) VCF-style: chr2-48030790-C-T.
Other names: c.3014C>T, p.Pro1005Leu (NM_001281492.2); c.2498C>T, p.Pro833Leu (NM_001281493.2, NM_001281494.2, NM_001406811.1 and 6 more transcripts); c.3500C>T, p.Pro1167Leu (NM_001406795.1, NM_001406802.1); c.2879C>T, p.Pro960Leu (NM_001406806.1, NM_001406807.1, NM_001406799.1); c.3404C>T, p.Pro1135Leu (NM_001406808.1, NM_001406809.1, NM_001406796.1 and 1 more transcripts); c.3410C>T, p.Pro1137Leu (NM_001406813.1); c.1838C>T, p.Pro613Leu (NM_001406817.1); c.3107C>T, p.Pro1036Leu (NM_001406818.1, NM_001406819.1, NM_001406820.1 and 10 more transcripts); and 7 more; short protein forms P1005L, P1036L, P1077L, P1079L, P1109L, P1135L, P1137L, P1167L.
Identifiers: ClinVar variation 4860381 (VCV004860381.1).